The following is an entry in ClinVar:

ClinVar aggregate classification (germline): Likely pathogenic (1 of 4 stars; one submission).

Submission:

GeneDx
Classification: Likely pathogenic. Last evaluated: 2017-08-11. Review status: criteria provided, single submitter. Criteria: GeneDx Variant Classification (06012015). Collection method: clinical testing. Allele origin: germline. Affected: yes.
Comment: The c.160_164delTACCTins17 variant has not been published as a pathogenic variant, nor has it been reported as a benign variant to our knowledge. The variant is not observed in large population cohorts (Lek et al., 2016; 1000 Genomes Consortium et al., 2015; Exome Variant Server). The variant results in the in-frame replacement of two amino acids with 6 incorrect amino acids; the deleted amino acids are conserved in mammals. The variant occurs in the WH1 domain, which is important for multiple cellular processes involving actin (Veltman et al., 2010). In summary, this variant is likely pathogenic; however, the possibility that it is benign cannot be excluded.

NM_000377.3(WAS):c.160_164delinsAACCTGGCGCTGCCCCC (p.Tyr54_Leu55delinsAsnLeuAlaLeuProPro)

Gene: WAS (WASP actin nucleation promoting factor; plus strand). Cytogenetic location: Xp11.23.
Variant type: Indel.
Coding change: c.160_164delinsAACCTGGCGCTGCCCCC on transcript NM_000377.3 (MANE Select); coding-DNA positions 160 to 164, TACCT replaced by AACCTGGCGCTGCCCCC.
Protein change: p.Tyr54_Leu55delinsAsnLeuAlaLeuProPro.
Molecular consequence: inframe indel.
Genome position (GRCh38, 1-based): chrX:48,684,310-48,684,314, TACCT replaced by AACCTGGCGCTGCCCCC. VCF-style: chrX-48684310-TACCT-AACCTGGCGCTGCCCCC. GRCh37 (hg19) VCF-style: chrX-48542699-TACCT-AACCTGGCGCTGCCCCC.
Other names: c.160_164delTACCTinsAACCTGGCGCTGCCCCC (NM_000377.2).
Identifiers: ClinVar variation 451446 (VCV000451446.1), dbSNP rs1557006316, ClinGen allele CA658658984.
Genomic context (GRCh38, chrX:48,684,310, plus strand): 5'-CAGACTCCACTGACCCCTGCTTTCCTCTCCCAGACGCTGGCCACTGCAGTTGTTCAGCTG[TACCT>AACCTGGCGCTGCCCCC]GGCGCTGCCCCCTGGAGCTGAGCACTGGACCAAGGAGCATTGTGGGGCTGTGTGCTTCGT-3'